The following is an entry in ClinVar:

ClinVar aggregate classification (germline): Uncertain significance (0 of 4 stars; one submission).

Conditions:
PCNT-related disorder. Also called: PCNT-related condition.

Submission:

PreventionGenetics, part of Exact Sciences
Classification: Uncertain significance for PCNT-related condition. Last evaluated: 2024-06-12. Review status: no assertion criteria provided. Collection method: clinical testing. Allele origin: germline.
Comment: The PCNT c.7478_7480delAGA variant is predicted to result in an in-frame deletion (p.Lys2493del). To our knowledge, this variant has not been reported in the literature or in a large population database, indicating this variant is rare. At this time, the clinical significance of this variant is uncertain due to the absence of conclusive functional and genetic evidence.

NM_006031.6(PCNT):c.7475AGA[1] (p.Lys2493del)

Gene: PCNT (pericentrin; plus strand). Cytogenetic location: 21q22.3.
Variant type: Microsatellite.
Coding change: c.7475AGA[1] on transcript NM_006031.6 (MANE Select); one copy of the 3-base unit AGA starting at c.7475; the reference has two copies in a row; one copy, 3 bases deleted.
Protein change: p.Lys2493del; deletes lysine 2493.
Molecular consequence: inframe deletion.
Genome position (GRCh38, 1-based): chr21:46,427,779-46,427,781, AGA deleted; deleting any 3 consecutive bases within chr21:46,427,776-46,427,781 gives the same sequence; the position shown is the placement nearest the transcript's 3' end. VCF-style (leftmost placement, unchanged base first): chr21-46427775-GAGA-G. GRCh37 (hg19) VCF-style: chr21-47847689-GAGA-G.
Other names: c.7121AGA[1], p.Lys2375del (NM_001315529.2); short protein forms K2375del, K2493del.
Identifiers: ClinVar variation 3354193 (VCV003354193.1).